The following is an entry in ClinVar:

ClinVar aggregate classification (germline): Uncertain significance. Review status: criteria provided, multiple submitters, no conflicts (2 of 4 stars). 2 submissions from 2 submitters: Uncertain significance (2). Last evaluated 2024-03-26.

Allele frequency attached by ClinVar (database versions not stated): gnomAD exomes 0.00004; ExAC 0.00005; gnomAD 0.00006.
gnomAD v4.1: 65 of 1,600,866 alleles (0.0041%); highest among the groups gnomAD compares: Non-Finnish European, 0.0048%; no homozygotes.

Submissions (2):

Athena Diagnostics
Classification: Uncertain significance. Last evaluated: 2024-03-26. Review status: criteria provided, single submitter. Criteria: Athena Diagnostics Criteria. Collection method: clinical testing. Allele origin: unknown.
Comment: Available data are insufficient to determine the clinical significance of the variant at this time. The frequency of this variant in the general population is uninformative in assessment of its pathogenicity. Computational tools predict that this variant is not damaging.

CeGaT Center for Human Genetics Tuebingen
Classification: Uncertain significance. Last evaluated: 2023-03-01. Review status: criteria provided, single submitter. Criteria: CeGaT Center For Human Genetics Tuebingen Variant Classification Criteria Version 2. Collection method: clinical testing. Allele origin: germline. Affected: yes. Observed: 1 variant allele.
Comment: PLEC: PM2, BP4

Literature cited by the submitters: PubMed 28798025 (cited by Athena Diagnostics).

NM_201378.4(PLEC):c.71-3771G>A

Genes: PLEC (plectin; minus strand), LOC130001342 (ATAC-STARR-seq lymphoblastoid silent region 19633; plus strand). Cytogenetic location: 8q24.3.
Variant type: single nucleotide variant.
Coding change: c.71-3771G>A on transcript NM_201378.4 (MANE Plus Clinical); 3771 bases into the intron before coding-DNA position 71, G replaced by A.
Molecular consequence: intron variant. On other transcripts: missense variant (1).
Genome position (GRCh38, 1-based): chr8:143,942,463, C>T on the plus strand (G>A on the coding strand, the complement: PLEC is on the minus strand). VCF-style: chr8-143942463-C-T. GRCh37 (hg19) VCF-style: chr8-145016631-C-T.
Other names: c.53G>A, p.Arg18Gln (NM_201383.3); c.194-3771G>A (NM_001410941.1, NM_000445.5); c.47-3771G>A (NM_201379.3); c.524-3771G>A (NM_201380.4); c.16+2185G>A (NM_201381.3); c.112+1316G>A (NM_201382.4); short protein forms R18Q.
Identifiers: ClinVar variation 2658957 (VCV002658957.23), dbSNP rs782677449, ClinGen allele CA4928743.